The following is an entry in ClinVar:

NM_001372.4(DNAH9):c.4669G>T (p.Ala1557Ser)

Gene: DNAH9 (dynein axonemal heavy chain 9; plus strand). Cytogenetic location: 17p12.
Variant type: single nucleotide variant.
Coding change: c.4669G>T on transcript NM_001372.4 (MANE Select); coding-DNA position 4669, G replaced by T.
Protein change: p.Ala1557Ser; replaces alanine 1557 with serine.
Molecular consequence: missense variant.
Genome position (GRCh38, 1-based): chr17:11,693,922, G>T. VCF-style: chr17-11693922-G-T. GRCh37 (hg19) VCF-style: chr17-11597239-G-T.
Other names: c.4669G>T (NM_001372.3); short protein forms A1557S.
Identifiers: ClinVar variation 1546673 (VCV001546673.12), dbSNP rs149426186, ClinGen allele CA8395735.

ClinVar aggregate classification (germline): Benign. Review status: criteria provided, multiple submitters, no conflicts (2 of 4 stars). 3 submissions from 3 submitters: Benign (2). 1 of the submissions does not count toward it. Last evaluated 2026-01-18.

Conditions:
DNAH9-related disorder. Also called: DNAH9-related condition.

Allele frequency attached by ClinVar (database versions not stated): gnomAD exomes 0.00040 and 0.00095; ExAC 0.00115; 1000 Genomes Project 0.00359; gnomAD 0.00367 and 0.00397; TOPMed 0.00423; ESP Exome Variant Server 0.00438; 1000 Genomes Project 30x 0.00453.
gnomAD v4.1: 1,186 of 1,614,098 alleles (0.073%); highest among the groups gnomAD compares: African/African-American, 1.4%; 13 homozygotes.

Submissions (4):

Labcorp Genetics (formerly Invitae), Labcorp
Classification: Benign. Last evaluated: 2026-01-18. Review status: criteria provided, single submitter. Criteria: Invitae Variant Classification Sherloc (09022015). Collection method: clinical testing. Allele origin: germline.

Breakthrough Genomics
Classification: Benign. Review status: criteria provided, single submitter. Criteria: ACMG Guidelines, 2015. Collection method: not provided. Allele origin: germline. Inheritance: Autosomal recessive inheritance. Affected: yes.

PreventionGenetics, part of Exact Sciences
Classification: Benign for DNAH9-related condition. Last evaluated: 2019-06-07. Review status: no assertion criteria provided. Collection method: clinical testing. Allele origin: germline. Not counted in ClinVar's aggregate classification.
Comment: This variant is classified as benign based on ACMG/AMP sequence variant interpretation guidelines (Richards et al. 2015 PMID: 25741868, with internal and published modifications).

Dr. Peter K. Rogan Lab, Western University
No classification provided (evidence only). Condition: Clear cell carcinoma of kidney. Review status: no classification provided. Collection method: in vitro. Allele origin: not applicable. Functional consequence: retained intron. Not counted in ClinVar's aggregate classification.